The following is an entry in ClinVar:

ClinVar aggregate classification (germline): Benign (1 of 4 stars; one submission).

Conditions:
Exudative vitreoretinopathy 1 (EVR1). Also called: CRISWICK-SCHEPENS SYNDROME; FEVR, AUTOSOMAL DOMINANT; Familial exudative vitreoretinopathy, autosomal dominant. Identifiers: Orphanet 891, Orphanet 90050, MedGen C1851402, MONDO:0007589, OMIM 133780.

Allele frequency attached by ClinVar (database versions not stated): gnomAD below 0.00001 and 0.00010; TOPMed 0.00003; 1000 Genomes Project 0.00060; 1000 Genomes Project 30x 0.00078.

Submission:

Illumina Laboratory Services, Illumina
Classification: Benign for Exudative vitreoretinopathy 1. Last evaluated: 2018-01-12. Review status: criteria provided, single submitter. Criteria: ICSL Variant Classification Criteria 13 December 2019. Collection method: clinical testing. Allele origin: germline.
Comment: This variant was observed in the ICSL laboratory as part of a predisposition screen in an ostensibly healthy population. It had not been previously curated by ICSL or reported in the Human Gene Mutation Database (HGMD: prior to June 1st, 2018), and was therefore a candidate for classification through an automated scoring system. Utilizing variant allele frequency, disease prevalence and penetrance estimates, and inheritance mode, an automated score was calculated to assess if this variant is too frequent to cause the disease. Based on the score and internal cut-off values, a variant classified as benign is not then subjected to further curation. The score for this variant resulted in a classification of benign for this disease.

NM_012193.4(FZD4):c.*2047C>T

Genes: PRSS23 (serine protease 23; plus strand), FZD4 (frizzled class receptor 4; minus strand). Cytogenetic location: 11q14.2.
Variant type: single nucleotide variant.
Coding change: c.*2047C>T on transcript NM_012193.4 (MANE Select); 2047 bases downstream of the stop codon, C replaced by T.
Molecular consequence: 3 prime UTR variant.
Genome position (GRCh38, 1-based): chr11:86,949,095, G>A on the plus strand (C>T on the coding strand, the complement: FZD4 is on the minus strand). VCF-style: chr11-86949095-G-A. GRCh37 (hg19) VCF-style: chr11-86660137-G-A.
Identifiers: ClinVar variation 306381 (VCV000306381.5), dbSNP rs527339048, ClinGen allele CA10640430.